The following is an entry in ClinVar:

NM_025114.4(CEP290):c.3108T>C (p.Asn1036=)

Gene: CEP290 (centrosomal protein 290; minus strand). Cytogenetic location: 12q21.32.
Variant type: single nucleotide variant.
Coding change: c.3108T>C on transcript NM_025114.4 (MANE Select); coding-DNA position 3108, T replaced by C.
Protein change: p.Asn1036=; no amino-acid change (asparagine 1036 retained).
Molecular consequence: synonymous variant.
Genome position (GRCh38, 1-based): chr12:88,093,971, A>G on the plus strand (T>C on the coding strand, the complement: CEP290 is on the minus strand). VCF-style: chr12-88093971-A-G. GRCh37 (hg19) VCF-style: chr12-88487748-A-G.
Other names: c.3108T>C (NM_025114.3).
Identifiers: ClinVar variation 1111478 (VCV001111478.10), dbSNP rs2037242478, ClinGen allele CA481077347.

ClinVar aggregate classification (germline): Likely benign. Review status: criteria provided, multiple submitters, no conflicts (2 of 4 stars). 2 submissions from 2 submitters: Likely benign (2). Last evaluated 2026-06-10.

Conditions:
CEP290-related disorder. Also called: CEP290-related condition; CEP290-related disorders. Identifiers: MedGen CN239314.
Meckel-Gruber syndrome. Also called: DYSENCEPHALIA SPLANCHNOCYSTICA; Dysencephalia splachnocystica; GRUBER SYNDROME. Identifiers: Orphanet 564, MedGen C0265215, MONDO:0018921.
Joubert syndrome. Also called: Familial aplasia of the vermis; JOUBERT-BOLTSHAUSER SYNDROME. Identifiers: Orphanet 475, MedGen C5979921, MONDO:0018772.
Nephronophthisis. Also called: Juvenile Nephronophthisis. Identifiers: Orphanet 655, MedGen C0687120, MONDO:0019005, HP:0000090.

Allele frequency attached by ClinVar (database versions not stated): gnomAD exomes below 0.00001; gnomAD 0.00001; TOPMed 0.00001.
gnomAD v4.1: 3 of 1,598,920 alleles (0.00019%); highest among the groups gnomAD compares: Admixed American, 0.0017%; no homozygotes.

Submissions (2):

PreventionGenetics, part of Exact Sciences
Classification: Likely benign for CEP290-related condition. Last evaluated: 2026-06-10. Review status: criteria provided, single submitter. Criteria: ACMG Guidelines, 2015. Collection method: clinical testing. Allele origin: germline.
Comment: This variant is classified as likely benign based on ACMG/AMP sequence variant interpretation guidelines (Richards et al. 2015 PMID: 25741868, with internal and published modifications).

Labcorp Genetics (formerly Invitae), Labcorp
Classification: Likely benign for Joubert syndrome; Meckel-Gruber syndrome; Nephronophthisis. Last evaluated: 2025-09-03. Review status: criteria provided, single submitter. Criteria: Invitae Variant Classification Sherloc (09022015). Collection method: clinical testing. Allele origin: germline.